The following is an entry in ClinVar:

ClinVar aggregate classification (germline): Uncertain significance (1 of 4 stars; one submission).

Conditions:
Charcot-Marie-Tooth disease axonal type 2C (HMSN2C). Also called: CHARCOT-MARIE-TOOTH DISEASE, AXONAL, AUTOSOMAL DOMINANT, TYPE 2C; Charcot-Marie-Tooth Neuropathy Type 2C; Charcot-Marie-Tooth Disease Type 2, TRPV4-Related (CMT2C). Identifiers: Orphanet 99937, MedGen C1853710, MONDO:0011633, OMIM 606071.

gnomAD v4.1: 2 of 1,613,862 alleles (0.00012%); highest among the groups gnomAD compares: Non-Finnish European, 0.000085%; no homozygotes.

Submission:

Labcorp Genetics (formerly Invitae), Labcorp
Classification: Uncertain significance for Charcot-Marie-Tooth disease axonal type 2C. Last evaluated: 2024-12-03. Review status: criteria provided, single submitter. Criteria: Invitae Variant Classification Sherloc (09022015). Collection method: clinical testing. Allele origin: germline.
Comment: This sequence change replaces aspartic acid, which is acidic and polar, with histidine, which is basic and polar, at codon 359 of the TRPV4 protein (p.Asp359His). This variant is not present in population databases (gnomAD no frequency). This variant has not been reported in the literature in individuals affected with TRPV4-related conditions. Invitae Evidence Modeling of protein sequence and biophysical properties (such as structural, functional, and spatial information, amino acid conservation, physicochemical variation, residue mobility, and thermodynamic stability) has been performed for this missense variant. However, the output from this modeling did not meet the statistical confidence thresholds required to predict the impact of this variant on TRPV4 protein function. In summary, the available evidence is currently insufficient to determine the role of this variant in disease. Therefore, it has been classified as a Variant of Uncertain Significance.

NM_021625.5(TRPV4):c.1075G>C (p.Asp359His)

Gene: TRPV4 (transient receptor potential cation channel subfamily V member 4; minus strand). Cytogenetic location: 12q24.11.
Variant type: single nucleotide variant.
Coding change: c.1075G>C on transcript NM_021625.5 (MANE Select); coding-DNA position 1075, G replaced by C.
Protein change: p.Asp359His; replaces aspartic acid 359 with histidine.
Molecular consequence: missense variant.
Genome position (GRCh38, 1-based): chr12:109,798,691, C>G on the plus strand (G>C on the coding strand, the complement: TRPV4 is on the minus strand). VCF-style: chr12-109798691-C-G. GRCh37 (hg19) VCF-style: chr12-110236496-C-G.
Other names: c.934G>C, p.Asp312His (NM_001177428.2, NM_001177433.2); c.973G>C, p.Asp325His (NM_001177431.2); c.1075G>C, p.Asp359His (NM_147204.3); short protein forms D312H, D325H, D359H.
Identifiers: ClinVar variation 3694376 (VCV003694376.2).